The following is an entry in ClinVar:

NM_000257.4(MYH7):c.2821C>T (p.Arg941Cys)

Gene: MYH7 (myosin heavy chain 7; minus strand). Cytogenetic location: 14q11.2.
Variant type: single nucleotide variant.
Coding change: c.2821C>T on transcript NM_000257.4 (MANE Select); coding-DNA position 2821, C replaced by T.
Protein change: p.Arg941Cys; replaces arginine 941 with cysteine.
Molecular consequence: missense variant.
Genome position (GRCh38, 1-based): chr14:23,424,008, G>A on the plus strand (C>T on the coding strand, the complement: MYH7 is on the minus strand). VCF-style: chr14-23424008-G-A. GRCh37 (hg19) VCF-style: chr14-23893217-G-A.
Other names: short protein forms R941C.
Identifiers: ClinVar variation 925464 (VCV000925464.8), dbSNP rs750435648, ClinGen allele CA389046936.

ClinVar aggregate classification (germline): Conflicting classifications of pathogenicity. Review status: criteria provided, conflicting classifications (1 of 4 stars). 3 submissions from 3 submitters: Likely pathogenic (1); Uncertain significance (2). Last evaluated 2026-01-23.

Conditions:
Cardiomyopathy (CMYO). Also called: Cardiomyopathies. Identifiers: Orphanet 167848, MedGen C0878544, MONDO:0004994, HP:0001638. Inheritance: Various modes of inheritance.

Submissions (3):

Dasa
Classification: Uncertain significance. Last evaluated: 2026-01-23. Review status: criteria provided, single submitter. Criteria: DASA Assertion Criteria. Collection method: clinical testing. Allele origin: germline.
Comment: NM_000257.4(MYH7):c.2821C>T (p.Arg941Cys) is a missense variant that results in the substitution of arginine with cysteine. This variant is rare in population databases. Computational prediction algorithms are consistent with a deleterious effect. The currently available literature and clinical evidence are not sufficient to establish a definitive association between this variant and the reported condition. Therefore, this variant is classified as a variant of uncertain significance.

CHEO Genetics Diagnostic Laboratory, Children's Hospital of Eastern Ontario
Classification: Likely pathogenic for Cardiomyopathy. Last evaluated: 2019-05-21. Review status: criteria provided, single submitter. Criteria: ACMG Guidelines, 2015. Collection method: clinical testing. Allele origin: germline.

Color Diagnostics, LLC DBA Color Health
Classification: Uncertain significance for Cardiomyopathy. Last evaluated: 2018-12-04. Review status: criteria provided, single submitter. Criteria: ACMG Guidelines, 2015. Collection method: clinical testing. Allele origin: germline.
Comment: Variant of Uncertain Significance due to insufficient evidence: This missense variant is located in the neck and hinge domain (S2) of the MYH7 protein. Computational prediction tools and conservation analyses suggest that this variant may have deleterious impact on the protein function. Computational splicing tools suggest that this variant may not impact RNA splicing. To our knowledge, functional assays have not been performed for this variant. This variant has been reported in an individual affected with left ventricular non-compaction (PMID: 30165862). This variant is rare in the general population and has been identified in 0/277264 chromosomes by the Genome Aggregation Database (gnomAD). Available evidence is insufficient to determine the pathogenicity of this variant conclusively.